The following is an entry in ClinVar:

ClinVar aggregate classification (germline): Likely benign. Review status: criteria provided, single submitter (1 of 4 stars). 2 submissions from 2 submitters: Likely benign (1). 1 of the submissions does not count toward it. Last evaluated 2025-01-21.

Conditions:
PLXNA1-related disorder. Also called: PLXNA1-related condition.

Allele frequency attached by ClinVar (database versions not stated): TOPMed 0.00006; gnomAD 0.00011; 1000 Genomes Project 30x 0.00031; 1000 Genomes Project 0.00040; ExAC 0.00055.
gnomAD v4.1: 325 of 1,597,262 alleles (0.02%); highest among the groups gnomAD compares: South Asian, 0.22%; 2 homozygotes.

Submissions (2):

Labcorp Genetics (formerly Invitae), Labcorp
Classification: Likely benign. Last evaluated: 2025-01-21. Review status: criteria provided, single submitter. Criteria: Invitae Variant Classification Sherloc (09022015). Collection method: clinical testing. Allele origin: germline.

PreventionGenetics, part of Exact Sciences
Classification: Likely benign for PLXNA1-related condition. Last evaluated: 2022-03-24. Review status: no assertion criteria provided. Collection method: clinical testing. Allele origin: germline. Not counted in ClinVar's aggregate classification.
Comment: This variant is classified as likely benign based on ACMG/AMP sequence variant interpretation guidelines (Richards et al. 2015 PMID: 25741868, with internal and published modifications).

NM_032242.4(PLXNA1):c.2494G>A (p.Val832Met)

Gene: PLXNA1 (plexin A1; plus strand). Cytogenetic location: 3q21.3.
Variant type: single nucleotide variant.
Coding change: c.2494G>A on transcript NM_032242.4 (MANE Select); coding-DNA position 2494, G replaced by A.
Protein change: p.Val832Met; replaces valine 832 with methionine.
Molecular consequence: missense variant.
Genome position (GRCh38, 1-based): chr3:127,014,265, G>A. VCF-style: chr3-127014265-G-A. GRCh37 (hg19) VCF-style: chr3-126733108-G-A.
Other names: short protein forms V832M.
Identifiers: ClinVar variation 3047877 (VCV003047877.4), dbSNP rs544321147, ClinGen allele CA2593648.
Genomic context (GRCh38, chr3:127,014,265, plus strand): 5'-CTGCGCGAGAGCTGCGGCCTCTGCCTCAAGGCCGACCCGCGCTTCGAGTGCGGATGGTGC[G>A]TGGCCGAGCGCCGCTGCTCCCTGCGACACCACTGCGCTGCCGACACACCTGCATCGTGGA-3'
Protein context (NP_115618.3, residues 822-842): ADPRFECGWC[Val832Met]AERRCSLRHH